The following is an entry in ClinVar:

ClinVar aggregate classification (germline): Uncertain significance (1 of 4 stars; one submission).

Conditions:
Hereditary cancer-predisposing syndrome. Also called: Hereditary neoplastic syndrome; Tumor predisposition; Hereditary Cancer Syndrome; Neoplastic Syndromes, Hereditary. Identifiers: Orphanet 140162, MedGen C0027672, MeSH D009386, MONDO:0015356.

Submission:

Ambry Genetics
Classification: Uncertain significance for Hereditary cancer-predisposing syndrome. Last evaluated: 2023-08-29. Review status: criteria provided, single submitter. Criteria: Ambry Variant Classification Scheme 2023. Collection method: clinical testing. Allele origin: germline.
Comment: The p.P177A variant (also known as c.529C>G), located in coding exon 5 of the RB1 gene, results from a C to G substitution at nucleotide position 529. The proline at codon 177 is replaced by alanine, an amino acid with highly similar properties. This amino acid position is conserved. In addition, this alteration is predicted to be tolerated by in silico analysis. Since supporting evidence is limited at this time, the clinical significance of this alteration remains unclear.

NM_000321.3(RB1):c.529C>G (p.Pro177Ala)

Gene: RB1 (RB transcriptional corepressor 1; plus strand). Cytogenetic location: 13q14.2.
Variant type: single nucleotide variant.
Coding change: c.529C>G on transcript NM_000321.3 (MANE Select); coding-DNA position 529, C replaced by G.
Protein change: p.Pro177Ala; replaces proline 177 with alanine.
Molecular consequence: missense variant.
Genome position (GRCh38, 1-based): chr13:48,347,853, C>G. VCF-style: chr13-48347853-C-G. GRCh37 (hg19) VCF-style: chr13-48921989-C-G.
Other names: c.529C>G, p.Pro177Ala (NM_001407165.1, NM_001407166.1); short protein forms P177A.
Identifiers: ClinVar variation 2585740 (VCV002585740.2), dbSNP rs1357310270, ClinGen allele CA388156841.